The following is an entry in ClinVar:

ClinVar aggregate classification (germline): Uncertain significance. Review status: criteria provided, multiple submitters, no conflicts (2 of 4 stars). 2 submissions from 2 submitters: Uncertain significance (2). Last evaluated 2025-03-18.

Conditions:
Hereditary cancer-predisposing syndrome. Also called: Neoplastic Syndromes, Hereditary; Tumor predisposition; Hereditary Cancer Syndrome; Hereditary neoplastic syndrome. Identifiers: Orphanet 140162, MedGen C0027672, MeSH D009386, MONDO:0015356.

Submissions (2):

Ambry Genetics
Classification: Uncertain significance for Hereditary cancer-predisposing syndrome. Last evaluated: 2025-03-18. Review status: criteria provided, single submitter. Criteria: Ambry Variant Classification Scheme 2023. Collection method: clinical testing. Allele origin: germline.
Comment: The p.P441R variant (also known as c.1322C>G), located in coding exon 13 of the POLE gene, results from a C to G substitution at nucleotide position 1322. The proline at codon 441 is replaced by arginine, an amino acid with dissimilar properties. This amino acid position is highly conserved in available vertebrate species. In addition, this alteration is predicted to be deleterious by in silico analysis. Based on the available evidence, the clinical significance of this variant remains unclear.

Labcorp Genetics (formerly Invitae), Labcorp
Classification: Uncertain significance. Last evaluated: 2021-03-26. Review status: criteria provided, single submitter. Criteria: Invitae Variant Classification Sherloc (09022015). Collection method: clinical testing. Allele origin: germline.
Comment: This sequence change replaces proline with arginine at codon 441 of the POLE protein (p.Pro441Arg). The proline residue is highly conserved and there is a moderate physicochemical difference between proline and arginine. This variant is not present in population databases (ExAC no frequency). This variant has not been reported in the literature in individuals with POLE-related conditions. ClinVar contains an entry for this variant (Variation ID: 484583). Algorithms developed to predict the effect of missense changes on protein structure and function are either unavailable or do not agree on the potential impact of this missense change (SIFT: "Deleterious"; PolyPhen-2: "Probably Damaging"; Align-GVGD: "Class C0"). In summary, the available evidence is currently insufficient to determine the role of this variant in disease. Therefore, it has been classified as a Variant of Uncertain Significance.

NM_006231.4(POLE):c.1322C>G (p.Pro441Arg)

Gene: POLE (DNA polymerase epsilon, catalytic subunit; minus strand). Cytogenetic location: 12q24.33.
Variant type: single nucleotide variant.
Coding change: c.1322C>G on transcript NM_006231.4 (MANE Select); coding-DNA position 1322, C replaced by G.
Protein change: p.Pro441Arg; replaces proline 441 with arginine.
Molecular consequence: missense variant.
Genome position (GRCh38, 1-based): chr12:132,673,612, G>C on the plus strand (C>G on the coding strand, the complement: POLE is on the minus strand). VCF-style: chr12-132673612-G-C. GRCh37 (hg19) VCF-style: chr12-133250198-G-C.
Other names: short protein forms P441R.
Identifiers: ClinVar variation 484583 (VCV000484583.14), dbSNP rs775340163, ClinGen allele CA387359280.